The following is an entry in ClinVar:

NM_020376.4(PNPLA2):c.1480G>A (p.Glu494Lys)

Gene: PNPLA2 (patatin like domain 2, triacylglycerol lipase; plus strand). Cytogenetic location: 11p15.5.
Variant type: single nucleotide variant.
Coding change: c.1480G>A on transcript NM_020376.4 (MANE Select); coding-DNA position 1480, G replaced by A.
Protein change: p.Glu494Lys; replaces glutamic acid 494 with lysine.
Molecular consequence: missense variant.
Genome position (GRCh38, 1-based): chr11:824,827, G>A. VCF-style: chr11-824827-G-A. GRCh37 (hg19) VCF-style: chr11-824827-G-A.
Other names: short protein forms E494K.
Identifiers: ClinVar variation 1480574 (VCV001480574.8), dbSNP rs1375873536, ClinGen allele CA378985804.

ClinVar aggregate classification (germline): Uncertain significance (1 of 4 stars; one submission).

Conditions:
Neutral lipid storage myopathy (NLSDM). Also called: NEUTRAL LIPID STORAGE DISEASE WITHOUT ICHTHYOSIS. Identifiers: Orphanet 98908, MedGen C1853136, MONDO:0012545, OMIM 610717.

gnomAD v4.1: 3 of 1,534,862 alleles (0.0002%); highest among the groups gnomAD compares: Admixed American, 0.002%; no homozygotes.

Submission:

Labcorp Genetics (formerly Invitae), Labcorp
Classification: Uncertain significance for Neutral lipid storage myopathy. Last evaluated: 2021-05-19. Review status: criteria provided, single submitter. Criteria: Invitae Variant Classification Sherloc (09022015). Collection method: clinical testing. Allele origin: germline.
Comment: In summary, the available evidence is currently insufficient to determine the role of this variant in disease. Therefore, it has been classified as a Variant of Uncertain Significance. Algorithms developed to predict the effect of missense changes on protein structure and function (SIFT, PolyPhen-2, Align-GVGD) all suggest that this variant is likely to be tolerated, but these predictions have not been confirmed by published functional studies and their clinical significance is uncertain. This variant has not been reported in the literature in individuals with PNPLA2-related conditions. The frequency data for this variant in the population databases is considered unreliable, as metrics indicate insufficient coverage at this position in the ExAC database. This sequence change replaces glutamic acid with lysine at codon 494 of the PNPLA2 protein (p.Glu494Lys). The glutamic acid residue is weakly conserved and there is a small physicochemical difference between glutamic acid and lysine.